The following is an entry in ClinVar:

ClinVar aggregate classification (germline): Uncertain significance (1 of 4 stars; one submission).

Conditions:
Androgen resistance syndrome (AIS). Also called: ANDROGEN RECEPTOR DEFICIENCY; DIHYDROTESTOSTERONE RECEPTOR DEFICIENCY; TESTICULAR FEMINIZATION SYNDROME; Androgen insensitivity syndrome due to coactivator deficiency; Androgen insensitivity syndrome; Androgen insensitivity. Identifiers: Orphanet 754, Orphanet 99429, MedGen C0039585, MONDO:0019154, OMIM 300068. Disease mechanism: loss of function.
Kennedy disease (SMAX1). Also called: SPINAL AND BULBAR MUSCULAR ATROPHY, X-LINKED 1; KENNEDY SPINAL AND BULBAR MUSCULAR ATROPHY; Spinal and Bulbar Muscular Atrophy. Identifiers: Orphanet 481, MedGen C1839259, MONDO:0010735, OMIM 313200.

Submission:

Labcorp Genetics (formerly Invitae), Labcorp
Classification: Uncertain significance for Kennedy disease; Androgen resistance syndrome. Last evaluated: 2022-05-17. Review status: criteria provided, single submitter. Criteria: Invitae Variant Classification Sherloc (09022015). Collection method: clinical testing. Allele origin: germline.
Comment: This variant, c.172_173insTGCAGCAGCAGCAGC, results in the insertion of 5 amino acid(s) of the AR protein (p.Leu57_Gln58insLeuGlnGlnGlnGln), but otherwise preserves the integrity of the reading frame. This variant is not present in population databases (gnomAD no frequency). This variant has not been reported in the literature in individuals affected with AR-related conditions. Experimental studies and prediction algorithms are not available or were not evaluated, and the functional significance of this variant is currently unknown. Algorithms developed to predict the effect of sequence changes on RNA splicing suggest that this variant may create or strengthen a splice site. In summary, the available evidence is currently insufficient to determine the role of this variant in disease. Therefore, it has been classified as a Variant of Uncertain Significance.

NM_000044.6(AR):c.172_173insTGCAGCAGCAGCAGC (p.Leu57_Gln58insLeuGlnGlnGlnGln)

Genes: AR (androgen receptor; plus strand), LOC109504725 (androgen receptor repeat instability region; plus strand). Cytogenetic location: Xq12.
Variant type: Insertion.
Coding change: c.172_173insTGCAGCAGCAGCAGC on transcript NM_000044.6 (MANE Select); coding-DNA positions 172 to 173, TGCAGCAGCAGCAGC inserted.
Protein change: p.Leu57_Gln58insLeuGlnGlnGlnGln.
Molecular consequence: inframe insertion. On other transcripts: 5 prime UTR variant (1).
Genome position: GRCh38 VCF-style: chrX-67545316-T-TGCTGCAGCAGCAGCA. GRCh37 (hg19) VCF-style: chrX-66765158-T-TGCTGCAGCAGCAGCA.
Other names: c.172_173insTGCAGCAGCAGCAGC, p.Leu57_Gln58insLeuGlnGlnGlnGln (NM_001348061.1, NM_001348063.1, NM_001348064.1); c.-1612_-1611insTGCAGCAGCAGCAGC (NM_001011645.3).
Identifiers: ClinVar variation 2034843 (VCV002034843.1), dbSNP rs1206863775, ClinGen allele CA877548141.